The following is an entry in ClinVar:

NM_006231.4(POLE):c.3078C>G (p.Asp1026Glu)

Gene: POLE (DNA polymerase epsilon, catalytic subunit; minus strand). Cytogenetic location: 12q24.33.
Variant type: single nucleotide variant.
Coding change: c.3078C>G on transcript NM_006231.4 (MANE Select); coding-DNA position 3078, C replaced by G.
Protein change: p.Asp1026Glu; replaces aspartic acid 1026 with glutamic acid.
Molecular consequence: missense variant.
Genome position (GRCh38, 1-based): chr12:132,659,492, G>C on the plus strand (C>G on the coding strand, the complement: POLE is on the minus strand). VCF-style: chr12-132659492-G-C. GRCh37 (hg19) VCF-style: chr12-133236078-G-C.
Other names: short protein forms D1026E.
Identifiers: ClinVar variation 5027062 (VCV005027062.1).

ClinVar aggregate classification (germline): Uncertain significance (1 of 4 stars; one submission).

Conditions:
Hereditary cancer-predisposing syndrome. Also called: Neoplastic Syndromes, Hereditary; Tumor predisposition; Hereditary neoplastic syndrome; Hereditary Cancer Syndrome. Identifiers: Orphanet 140162, MedGen C0027672, MeSH D009386, MONDO:0015356.

Submission:

Ambry Genetics
Classification: Uncertain significance for Hereditary cancer-predisposing syndrome. Last evaluated: 2026-07-03. Review status: criteria provided, single submitter. Criteria: Ambry Variant Classification Scheme 2023. Collection method: clinical testing. Allele origin: germline.
Comment: The p.D1026E variant (also known as c.3078C>G), located in coding exon 26 of the POLE gene, results from a C to G substitution at nucleotide position 3078. The aspartic acid at codon 1026 is replaced by glutamic acid, an amino acid with highly similar properties. This amino acid position is conserved. In addition, the in silico prediction for this alteration is inconclusive. Based on the available evidence, the clinical significance of this variant remains unclear.